The following is an entry in ClinVar:

NM_000059.4(BRCA2):c.28A>G (p.Thr10Ala)

Gene: BRCA2 (BRCA2 DNA repair associated; plus strand). Cytogenetic location: 13q13.1.
Variant type: single nucleotide variant.
Coding change: c.28A>G on transcript NM_000059.4 (MANE Select); coding-DNA position 28, A replaced by G.
Protein change: p.Thr10Ala; replaces threonine 10 with alanine.
Molecular consequence: missense variant.
Genome position (GRCh38, 1-based): chr13:32,316,488, A>G. VCF-style: chr13-32316488-A-G. GRCh37 (hg19) VCF-style: chr13-32890625-A-G.
Other names: short protein forms T10A.
Identifiers: ClinVar variation 186603 (VCV000186603.28), dbSNP rs786203080, ClinGen allele CA016728.

ClinVar aggregate classification (germline): Conflicting classifications of pathogenicity. Review status: criteria provided, conflicting classifications (1 of 4 stars). 10 submissions from 10 submitters: Uncertain significance (6); Likely benign (3). 1 of the submissions does not count toward it. Last evaluated 2025-12-29.

Conditions:
Hereditary breast ovarian cancer syndrome. Also called: Hereditary breast and ovarian cancer; Hereditary breast and ovarian cancer syndrome; Breast and ovarian cancer; Hereditary breast and ovarian cancer syndrome (HBOC); Hereditary breast and/or ovarian cancer syndrome; BRCA1- and BRCA2-Associated Hereditary Breast and Ovarian Cancer. Identifiers: Orphanet 145, MedGen C0677776, MeSH D061325, MONDO:0003582. Disease mechanism: loss of function.
Breast-ovarian cancer, familial, susceptibility to, 2 (BROVCA2). Also called: BRCA2 Hereditary Breast and Ovarian Cancer. Identifiers: Orphanet 145, MedGen C2675520, MONDO:0012933, OMIM 612555. Disease mechanism: loss of function.
Hereditary cancer-predisposing syndrome. Also called: Hereditary Cancer Syndrome; Neoplastic Syndromes, Hereditary; Tumor predisposition; Hereditary neoplastic syndrome. Identifiers: Orphanet 140162, MedGen C0027672, MeSH D009386, MONDO:0015356.
Familial cancer of breast. Also called: BREAST CANCER, FAMILIAL; Hereditary breast cancer; hereditary breast carcinoma. Identifiers: Orphanet 227535, MedGen C0346153, MONDO:0016419, OMIM 114480. Disease mechanism: loss of function.

Allele frequency attached by ClinVar (database versions not stated): gnomAD exomes below 0.00001.
gnomAD v4.1: 6 of 1,614,130 alleles (0.00037%); highest among the groups gnomAD compares: East Asian, 0.0022%; no homozygotes.

Submissions (10):

Center for Genomic Medicine, Rigshospitalet, Copenhagen University Hospital
Classification: Uncertain significance. Last evaluated: 2025-12-29. Review status: criteria provided, single submitter. Criteria: ACMG Guidelines, 2015. Collection method: clinical testing. Allele origin: germline.
Comment: Classification criteria: BP4, PM2_supporting

Labcorp Genetics (formerly Invitae), Labcorp
Classification: Uncertain significance for Hereditary breast ovarian cancer syndrome. Last evaluated: 2025-11-05. Review status: criteria provided, single submitter. Criteria: Invitae Variant Classification Sherloc (09022015). Collection method: clinical testing. Allele origin: germline.
Comment: This sequence change replaces threonine, which is neutral and polar, with alanine, which is neutral and non-polar, at codon 10 of the BRCA2 protein (p.Thr10Ala). This variant is not present in population databases (gnomAD no frequency). This variant has not been reported in the literature in individuals affected with BRCA2-related conditions. ClinVar contains an entry for this variant (Variation ID: 186603). Invitae Evidence Modeling of protein sequence and biophysical properties (such as structural, functional, and spatial information, amino acid conservation, physicochemical variation, residue mobility, and thermodynamic stability) indicates that this missense variant is not expected to disrupt BRCA2 protein function with a negative predictive value of 95%. RNA analysis performed to evaluate the impact of this missense change on mRNA splicing indicates it does not significantly alter splicing (PMID: 31843900; internal data). In summary, the available evidence is currently insufficient to determine the role of this variant in disease. Therefore, it has been classified as a Variant of Uncertain Significance.

Quest Diagnostics Nichols Institute San Juan Capistrano
Classification: Uncertain significance. Last evaluated: 2025-08-22. Review status: criteria provided, single submitter. Criteria: Quest Diagnostics criteria. Collection method: clinical testing. Allele origin: unknown.
Comment: The BRCA2 c.28A>G (p.Thr10Ala) variant has been reported in the published literature in individuals affected with breast cancer (PMID: 33471991 (2021), see also LOVD, 39062721 (2024)). This variant has not been reported in large, multi-ethnic general populations (Genome Aggregation Database). Analysis of this variant using bioinformatics tools for the prediction of the effect of amino acid changes on protein structure and function yielded predictions that this variant is benign. Based on the available information, we are unable to determine the clinical significance of this variant.

Baylor Genetics
Classification: Uncertain significance for Familial cancer of breast. Last evaluated: 2023-09-21. Review status: criteria provided, single submitter. Criteria: ACMG Guidelines, 2015. Collection method: clinical testing. Allele origin: unknown.

Ambry Genetics
Classification: Likely benign for Hereditary cancer-predisposing syndrome. Last evaluated: 2023-06-19. Review status: criteria provided, single submitter. Criteria: Ambry Variant Classification Scheme 2023. Collection method: clinical testing. Allele origin: germline.

All of Us Research Program, National Institutes of Health
Classification: Likely benign for Breast-ovarian cancer, familial, susceptibility to, 2. Last evaluated: 2023-04-10. Review status: criteria provided, single submitter. Criteria: ACMG Guidelines, 2015. Collection method: clinical testing. Allele origin: germline. Inheritance: Autosomal dominant inheritance. Observed: 1 variant allele, 1 heterozygote.
Comment: This study involves interpretation of variants in research participants for the purpose of population health screening. Participant phenotype was not available at the time of variant classification. Additional details can be found in publication PMID: 35346344, PMCID: PMC8962531

Women's Health and Genetics/Laboratory Corporation of America, LabCorp
Classification: Uncertain significance. Last evaluated: 2022-05-30. Review status: criteria provided, single submitter. Criteria: LabCorp Variant Classification Summary - May 2015. Collection method: clinical testing. Allele origin: germline.
Comment: Variant summary: BRCA2 c.28A>G (p.Thr10Ala) results in a non-conservative amino acid change in the encoded protein sequence. Three of five in-silico tools predict a benign effect of the variant on protein function. The variant was absent in 251392 control chromosomes. The available data on variant occurrences in the general population are insufficient to allow any conclusion about variant significance. To our knowledge, no occurrence of c.28A>G in individuals affected with Hereditary Breast And Ovarian Cancer Syndrome and no experimental evidence demonstrating its impact on protein function have been reported. At-least two co-occurrences with other pathogenic variant(s) have been reported in the UMD database (BRCA2 c.2701delC, p.Ala902LeufsX2; BRCA1 c.3839_3841delCTC, p.Ser1280X), providing supporting evidence for a benign role. Five clinical diagnostic laboratories have submitted clinical-significance assessments for this variant to ClinVar after 2014 without evidence for independent evaluation. Multiple laboratories reported the variant with conflicting assessments (VUS, n=3; Likely Benign/Benign, n=2). Based on the evidence outlined above, the variant was classified as uncertain significance.

GeneDx
Classification: Uncertain significance. Last evaluated: 2021-12-06. Review status: criteria provided, single submitter. Criteria: GeneDx Variant Classification Process June 2021. Collection method: clinical testing. Allele origin: germline. Affected: yes.
Comment: Not observed at significant frequency in large population cohorts (Lek et al., 2016); In silico analysis supports that this missense variant does not alter protein structure/function; Identified in an individual with breast, ovarian, endometrial, or colorectal cancer (Casadei 2019); Also known as 256A>G; This variant is associated with the following publications: (PMID: 31843900)

Color Diagnostics, LLC DBA Color Health
Classification: Likely benign for Hereditary cancer-predisposing syndrome. Last evaluated: 2016-06-23. Review status: criteria provided, single submitter. Criteria: ACMG Guidelines, 2015. Collection method: clinical testing. Allele origin: germline.

King Laboratory, University of Washington
Classification: Benign. Last evaluated: 2019-09-01. Review status: no assertion criteria provided. Collection method: research. Allele origin: germline. Affected: yes. Not counted in ClinVar's aggregate classification.
Comment: Transcript analysis by cBROCA

Literature cited by the submitters: PubMed 39062721 (cited by Center for Genomic Medicine, Rigshospitalet, Copenhagen University Hospital and Quest Diagnostics Nichols Institute San Juan Capistrano); PubMed 31843900 (cited by 3 submitters); PubMed 33471991 (cited by Quest Diagnostics Nichols Institute San Juan Capistrano).